The following is an entry in ClinVar:

NM_000078.3(CETP):c.161G>C (p.Arg54Pro)

Gene: CETP (cholesteryl ester transfer protein; plus strand). Cytogenetic location: 16q13.
Variant type: single nucleotide variant.
Coding change: c.161G>C on transcript NM_000078.3 (MANE Select); coding-DNA position 161, G replaced by C.
Protein change: p.Arg54Pro; replaces arginine 54 with proline.
Molecular consequence: missense variant.
Genome position (GRCh38, 1-based): chr16:56,963,052, G>C. VCF-style: chr16-56963052-G-C. GRCh37 (hg19) VCF-style: chr16-56996964-G-C.
Other names: c.161G>C, p.Arg54Pro (NM_001286085.2); short protein forms R54P.
Identifiers: ClinVar variation 4754002 (VCV004754002.1).

ClinVar aggregate classification (germline): Uncertain significance (1 of 4 stars; one submission).

Submission:

Labcorp Genetics (formerly Invitae), Labcorp
Classification: Uncertain significance. Last evaluated: 2025-03-25. Review status: criteria provided, single submitter. Criteria: Invitae Variant Classification Sherloc (09022015). Collection method: clinical testing. Allele origin: germline.
Comment: This sequence change replaces arginine, which is basic and polar, with proline, which is neutral and non-polar, at codon 54 of the CETP protein (p.Arg54Pro). This variant is present in population databases (no rsID available, gnomAD 0.0009%). This variant has not been reported in the literature in individuals affected with CETP-related conditions. Invitae Evidence Modeling of protein sequence and biophysical properties (such as structural, functional, and spatial information, amino acid conservation, physicochemical variation, residue mobility, and thermodynamic stability) has been performed for this missense variant. However, the output from this modeling did not meet the statistical confidence thresholds required to predict the impact of this variant on CETP protein function. In summary, the available evidence is currently insufficient to determine the role of this variant in disease. Therefore, it has been classified as a Variant of Uncertain Significance.